The following is an entry in ClinVar:

ClinVar aggregate classification (germline): Benign/Likely benign. Review status: criteria provided, multiple submitters, no conflicts (2 of 4 stars). 13 submissions from 13 submitters: Benign (5); Likely benign (7). 1 of the submissions does not count toward it. Last evaluated 2026-03-01.

Conditions:
FLNC-related disorder. Also called: FLNC-related disorders; FLNC-related condition.
Distal myopathy with posterior leg and anterior hand involvement. Also called: WILLIAMS DISTAL MYOPATHY. Identifiers: Orphanet 63273, MedGen C3279722, MONDO:0013550, OMIM 614065.
Myofibrillar myopathy 5. Also called: Filaminopathy (type); FILAMINOPATHY, AUTOSOMAL DOMINANT. Identifiers: Orphanet 171445, MedGen C1836050, MONDO:0012289, OMIM 609524.
Hypertrophic cardiomyopathy 26. Also called: Cardiomyopathy, familial hypertrophic, 26. Identifiers: Orphanet 75249, MedGen C4310749, MONDO:0014883, OMIM 617047.
Cardiovascular phenotype. Identifiers: MedGen CN230736.
Cardiomyopathy (CMYO). Also called: Cardiomyopathies. Identifiers: Orphanet 167848, MedGen C0878544, MONDO:0004994, HP:0001638. Inheritance: Various modes of inheritance.

Allele frequency attached by ClinVar (database versions not stated): 1000 Genomes Project 0.00060; 1000 Genomes Project 30x 0.00062; gnomAD 0.00166 and 0.00173; TOPMed 0.00166; gnomAD exomes 0.00178 and 0.00286; ExAC 0.00194; ESP Exome Variant Server 0.00201.
gnomAD v4.1: 4,418 of 1,614,062 alleles (0.27%); highest among the groups gnomAD compares: Non-Finnish European, 0.34%; 9 homozygotes.

Submissions (13):

CeGaT Center for Human Genetics Tuebingen
Classification: Likely benign. Last evaluated: 2026-03-01. Review status: criteria provided, single submitter. Criteria: CeGaT Center For Human Genetics Tuebingen Variant Classification Criteria Version 2. Collection method: clinical testing. Allele origin: germline. Affected: yes. Observed: 15 variant alleles.
Comment: FLNC: BS1

Labcorp Genetics (formerly Invitae), Labcorp
Classification: Likely benign for Distal myopathy with posterior leg and anterior hand involvement; Myofibrillar myopathy 5; Hypertrophic cardiomyopathy 26. Last evaluated: 2026-02-03. Review status: criteria provided, single submitter. Criteria: Invitae Variant Classification Sherloc (09022015). Collection method: clinical testing. Allele origin: germline.

ARUP Laboratories, Molecular Genetics and Genomics, ARUP Laboratories
Classification: Likely benign. Last evaluated: 2025-07-01. Review status: criteria provided, single submitter. Criteria: ARUP Molecular Germline Variant Investigation Process 2024. Collection method: clinical testing. Allele origin: germline.

Molecular Diagnostic Laboratory for Inherited Cardiovascular Disease, Montreal Heart Institute
Classification: Likely benign. Last evaluated: 2025-04-09. Review status: criteria provided, single submitter. Criteria: ACMG Guidelines, 2015. Collection method: clinical testing. Allele origin: germline. Affected: no.

Blueprint Genetics
Classification: Likely benign. Last evaluated: 2024-11-18. Review status: criteria provided, single submitter. Criteria: ACMG Guidelines, 2015. Collection method: clinical testing. Allele origin: germline.

Mayo Clinic Laboratories, Mayo Clinic
Classification: Benign. Last evaluated: 2023-11-27. Review status: criteria provided, single submitter. Criteria: ACMG Guidelines, 2015. Collection method: clinical testing. Allele origin: germline. Observed: 6 variant alleles.
Comment: BS1, BS2

Women's Health and Genetics/Laboratory Corporation of America, LabCorp
Classification: Likely benign. Last evaluated: 2023-07-29. Review status: criteria provided, single submitter. Criteria: LabCorp Variant Classification Summary - May 2015. Collection method: clinical testing. Allele origin: germline.

CHEO Genetics Diagnostic Laboratory, Children's Hospital of Eastern Ontario
Classification: Benign for Cardiomyopathy. Last evaluated: 2023-05-16. Review status: criteria provided, single submitter. Criteria: ACMG Guidelines, 2015. Collection method: clinical testing. Allele origin: germline.

Athena Diagnostics
Classification: Benign. Last evaluated: 2019-12-31. Review status: criteria provided, single submitter. Criteria: Athena Diagnostics Criteria. Collection method: clinical testing. Allele origin: unknown.

Ambry Genetics
Classification: Likely benign for Cardiovascular phenotype. Last evaluated: 2018-12-28. Review status: criteria provided, single submitter. Criteria: Ambry Variant Classification Scheme 2023. Collection method: clinical testing. Allele origin: germline.

GeneDx
Classification: Benign. Last evaluated: 2016-11-10. Review status: criteria provided, single submitter. Criteria: GeneDx Variant Classification (06012015). Collection method: clinical testing. Allele origin: germline. Affected: yes.
Comment: This variant is considered likely benign or benign based on one or more of the following criteria: it is a conservative change, it occurs at a poorly conserved position in the protein, it is predicted to be benign by multiple in silico algorithms, and/or has population frequency not consistent with disease.

Eurofins Ntd Llc (ga)
Classification: Benign. Last evaluated: 2015-03-02. Review status: criteria provided, single submitter. Criteria: EGL Classification Definitions 2015. Collection method: clinical testing. Allele origin: germline. Observed: 2 variant alleles, 2 heterozygotes.

PreventionGenetics, part of Exact Sciences
Classification: Likely benign for FLNC-related condition. Last evaluated: 2019-06-18. Review status: no assertion criteria provided. Collection method: clinical testing. Allele origin: germline. Not counted in ClinVar's aggregate classification.
Comment: This variant is classified as likely benign based on ACMG/AMP sequence variant interpretation guidelines (Richards et al. 2015 PMID: 25741868, with internal and published modifications).

Literature cited by the submitters: PubMed 25617006 (cited by 3 submitters); PubMed 31641117 (cited by Mayo Clinic Laboratories, Mayo Clinic); PubMed 28356264 (cited by Athena Diagnostics and Ambry Genetics); PubMed 27296017 (cited by Ambry Genetics).

NM_001458.5(FLNC):c.7091G>A (p.Arg2364His)

Genes: FLNC (filamin C; plus strand), FLNC-AS1 (FLNC antisense RNA 1; minus strand). Cytogenetic location: 7q32.1.
Variant type: single nucleotide variant.
Coding change: c.7091G>A on transcript NM_001458.5 (MANE Select); coding-DNA position 7091, G replaced by A.
Protein change: p.Arg2364His; replaces arginine 2364 with histidine.
Molecular consequence: missense variant.
Genome position (GRCh38, 1-based): chr7:128,854,868, G>A. VCF-style: chr7-128854868-G-A. GRCh37 (hg19) VCF-style: chr7-128494922-G-A.
Other names: p.Arg2364His; c.6992G>A, p.Arg2331His (NM_001127487.2); short protein forms R2364H, R2331H.
Identifiers: ClinVar variation 197461 (VCV000197461.55), dbSNP rs201672146, ClinGen allele CA202899.